The following is an entry in ClinVar:

ClinVar aggregate classification (germline): Uncertain significance (1 of 4 stars; one submission).

Conditions:
TLR3-related disorder. Also called: TLR3-related condition.

Submission:

PreventionGenetics, part of Exact Sciences
Classification: Uncertain significance for TLR3-related condition. Last evaluated: 2024-12-05. Review status: criteria provided, single submitter. Criteria: ACMG Guidelines, 2015. Collection method: clinical testing. Allele origin: germline.
Comment: The TLR3 c.2285A>T variant is predicted to result in the amino acid substitution p.His762Leu. To our knowledge, this variant has not been reported in the literature or in a large population database (gnomAD), indicating this variant is rare. At this time, the clinical significance of this variant is uncertain due to the absence of conclusive functional and genetic evidence.

NM_003265.3(TLR3):c.2285A>T (p.His762Leu)

Gene: TLR3 (toll like receptor 3; plus strand). Cytogenetic location: 4q35.1.
Variant type: single nucleotide variant.
Coding change: c.2285A>T on transcript NM_003265.3 (MANE Select); coding-DNA position 2285, A replaced by T.
Protein change: p.His762Leu; replaces histidine 762 with leucine.
Molecular consequence: missense variant.
Genome position (GRCh38, 1-based): chr4:186,083,971, A>T. VCF-style: chr4-186083971-A-T. GRCh37 (hg19) VCF-style: chr4-187005125-A-T.
Other names: short protein forms H762L.
Identifiers: ClinVar variation 5000923 (VCV005000923.1).